The following is an entry in ClinVar:

NM_001267550.2(TTN):c.35546-7T>C

Gene: TTN (titin; minus strand). Cytogenetic location: 2q31.2.
Variant type: single nucleotide variant.
Coding change: c.35546-7T>C on transcript NM_001267550.2 (MANE Select); 7 bases into the intron before coding-DNA position 35546, T replaced by C.
Molecular consequence: intron variant.
Genome position (GRCh38, 1-based): chr2:178,667,728, A>G on the plus strand (T>C on the coding strand, the complement: TTN is on the minus strand). VCF-style: chr2-178667728-A-G. GRCh37 (hg19) VCF-style: chr2-179532455-A-G.
Other names: c.13283-25411T>C (NM_003319.4); c.13859-25411T>C (NM_133437.4); c.13658-25411T>C (NM_133432.3); c.31483+2490T>C (NM_133378.4); c.34264+2490T>C (NM_001256850.1).
Identifiers: ClinVar variation 2078406 (VCV002078406.7), dbSNP rs373819091, ClinGen allele CA1997789.

ClinVar aggregate classification (germline): Conflicting classifications of pathogenicity. Review status: criteria provided, conflicting classifications (1 of 4 stars). 3 submissions from 3 submitters: Uncertain significance (1); Likely benign (2). Last evaluated 2026-09-24.

Conditions:
Autosomal recessive limb-girdle muscular dystrophy type 2J (LGMDR10). Also called: Limb-girdle muscular dystrophy, type 2J; MUSCULAR DYSTROPHY, LIMB-GIRDLE, AUTOSOMAL RECESSIVE 10. Identifiers: Orphanet 140922, MedGen C1837342, MONDO:0012127, OMIM 608807.
Dilated cardiomyopathy 1G (CMD1G). Identifiers: Orphanet 154, MedGen C1858763, MONDO:0011400, OMIM 604145.

Allele frequency attached by ClinVar (database versions not stated): gnomAD exomes 0.00001; gnomAD 0.00004; TOPMed 0.00004; ExAC 0.00003; ESP Exome Variant Server 0.00017.
gnomAD v4.1: 27 of 1,541,190 alleles (0.0018%); highest among the groups gnomAD compares: Non-Finnish European, 0.002%; no homozygotes.

Submissions (3):

GeneDx
Classification: Uncertain significance. Last evaluated: 2026-09-24. Review status: criteria provided, single submitter. Criteria: GeneDx Variant Classification Process June 2021. Collection method: clinical testing. Allele origin: germline.
Comment: In silico analysis suggests that this variant does not alter splicing; Has not been previously published as pathogenic or benign to our knowledge

Labcorp Genetics (formerly Invitae), Labcorp
Classification: Likely benign for Dilated cardiomyopathy 1G; Autosomal recessive limb-girdle muscular dystrophy type 2J. Last evaluated: 2025-12-23. Review status: criteria provided, single submitter. Criteria: Invitae Variant Classification Sherloc (09022015). Collection method: clinical testing. Allele origin: germline.

Laboratory of Genetics, Children's Clinical University Hospital Latvia
Classification: Likely benign. Last evaluated: 2025-02-16. Review status: criteria provided, single submitter. Criteria: ACMG Guidelines, 2015. Collection method: clinical testing. Allele origin: germline. Affected: yes.